The following is an entry in ClinVar:

ClinVar aggregate classification (germline): Uncertain significance (1 of 4 stars; one submission).

Conditions:
Hereditary cancer-predisposing syndrome. Also called: Neoplastic Syndromes, Hereditary; Tumor predisposition; Hereditary neoplastic syndrome; Hereditary Cancer Syndrome. Identifiers: Orphanet 140162, MedGen C0027672, MeSH D009386, MONDO:0015356.

Submission:

Ambry Genetics
Classification: Uncertain significance for Hereditary cancer-predisposing syndrome. Last evaluated: 2026-07-02. Review status: criteria provided, single submitter. Criteria: Ambry Variant Classification Scheme 2023. Collection method: clinical testing. Allele origin: germline.
Comment: The p.L79M variant (also known as c.235C>A), located in coding exon 3 of the RAD51D gene, results from a C to A substitution at nucleotide position 235. The leucine at codon 79 is replaced by methionine, an amino acid with highly similar properties. This amino acid position is conserved. In addition, this alteration is predicted to be tolerated by in silico analysis. Based on the available evidence, the clinical significance of this variant remains unclear.

NM_002878.4(RAD51D):c.263+1554C>A

Genes: RAD51D (RAD51 paralog D; minus strand), RAD51L3-RFFL (RAD51L3-RFFL readthrough; minus strand). Cytogenetic location: 17q12.
Variant type: single nucleotide variant.
Coding change: c.263+1554C>A on transcript NM_002878.4 (MANE Select); 1554 bases into the intron after coding-DNA position 263, C replaced by A.
Molecular consequence: intron variant. On other transcripts: missense variant (1).
Genome position (GRCh38, 1-based): chr17:35,116,947, G>T on the plus strand (C>A on the coding strand, the complement: RAD51D is on the minus strand). VCF-style: chr17-35116947-G-T. GRCh37 (hg19) VCF-style: chr17-33443966-G-T.
Other names: c.235C>A, p.Leu79Met (NM_001142571.2); c.144+2164C>A (NM_133629.3); short protein forms L79M.
Identifiers: ClinVar variation 5027816 (VCV005027816.1).